The following is an entry in ClinVar:

ClinVar aggregate classification (germline): Uncertain significance. Review status: criteria provided, multiple submitters, no conflicts (2 of 4 stars). 3 submissions from 3 submitters: Uncertain significance (3). Last evaluated 2025-09-22.

Conditions:
Hereditary pheochromocytoma and paraganglioma. Also called: Hereditary pheochromocytoma-paraganglioma; Hereditary paragangliomas and pheochromocytomas; Hereditary Paraganglioma-Pheochromocytoma Syndromes. Identifiers: Orphanet 29072, MedGen C4274332, MONDO:0017366.
Hereditary cancer-predisposing syndrome. Also called: Hereditary Cancer Syndrome; Tumor predisposition; Neoplastic Syndromes, Hereditary; Hereditary neoplastic syndrome. Identifiers: Orphanet 140162, MedGen C0027672, MeSH D009386, MONDO:0015356.

Allele frequency attached by ClinVar (database versions not stated): TOPMed below 0.00001; ExAC 0.00001; gnomAD exomes 0.00001.
gnomAD v4.1: 6 of 1,614,070 alleles (0.00037%); highest among the groups gnomAD compares: Middle Eastern, 0.017%; 1 homozygote.

Submissions (3):

Labcorp Genetics (formerly Invitae), Labcorp
Classification: Uncertain significance for Hereditary pheochromocytoma and paraganglioma. Last evaluated: 2025-09-22. Review status: criteria provided, single submitter. Criteria: Invitae Variant Classification Sherloc (09022015). Collection method: clinical testing. Allele origin: germline.
Comment: This sequence change replaces arginine, which is basic and polar, with histidine, which is basic and polar, at codon 127 of the TMEM127 protein (p.Arg127His). This variant is present in population databases (rs777665433, gnomAD 0.003%). This variant has not been reported in the literature in individuals affected with TMEM127-related conditions. ClinVar contains an entry for this variant (Variation ID: 824247). An algorithm developed to predict the effect of missense changes on protein structure and function (PolyPhen-2) suggests that this variant is likely to be tolerated. In summary, the available evidence is currently insufficient to determine the role of this variant in disease. Therefore, it has been classified as a Variant of Uncertain Significance.

Center for Genomic Medicine, Rigshospitalet, Copenhagen University Hospital
Classification: Uncertain significance. Last evaluated: 2025-03-04. Review status: criteria provided, single submitter. Criteria: ACMG Guidelines, 2015. Collection method: clinical testing. Allele origin: germline.

Ambry Genetics
Classification: Uncertain significance for Hereditary cancer-predisposing syndrome. Last evaluated: 2024-05-27. Review status: criteria provided, single submitter. Criteria: Ambry Variant Classification Scheme 2023. Collection method: clinical testing. Allele origin: germline.
Comment: The p.R127H variant (also known as c.380G>A), located in coding exon 2 of the TMEM127 gene, results from a G to A substitution at nucleotide position 380. The arginine at codon 127 is replaced by histidine, an amino acid with highly similar properties. This amino acid position is highly conserved in available vertebrate species. In addition, this alteration is predicted to be deleterious by in silico analysis. Based on the available evidence, the clinical significance of this variant remains unclear.

NM_017849.4(TMEM127):c.380G>A (p.Arg127His)

Gene: TMEM127 (transmembrane protein 127; minus strand). Cytogenetic location: 2q11.2.
Variant type: single nucleotide variant.
Coding change: c.380G>A on transcript NM_017849.4 (MANE Select); coding-DNA position 380, G replaced by A.
Protein change: p.Arg127His; replaces arginine 127 with histidine.
Molecular consequence: missense variant.
Genome position (GRCh38, 1-based): chr2:96,254,862, C>T on the plus strand (G>A on the coding strand, the complement: TMEM127 is on the minus strand). VCF-style: chr2-96254862-C-T. GRCh37 (hg19) VCF-style: chr2-96920600-C-T.
Other names: c.380G>A, p.Arg127His (NM_001193304.3); short protein forms R127H.
Identifiers: ClinVar variation 824247 (VCV000824247.14), dbSNP rs777665433, ClinGen allele CA1777341.
Genomic context (GRCh38, chr2:96,254,862, plus strand): 5'-CTCTCCCACTGTGAGCAGGCTCACGGCTTACCCGTTAGGATATGGGCGAAGGCATAGCGA[C>T]GAGTGATCTTCAGAGCAGGATGCTTCGGCCCAAAGACATCCAGAAGGAAAGCGGAGAGAC-3'
Protein context (NP_060319.1, residues 117-137): GPKHPALKIT[Arg127His]RYAFAHILTV